The following is an entry in ClinVar:

ClinVar aggregate classification (germline): Conflicting classifications of pathogenicity. Review status: criteria provided, conflicting classifications (1 of 4 stars). 3 submissions from 3 submitters: Uncertain significance (1); Likely benign (2). Last evaluated 2026-03-01.

Conditions:
Inborn genetic diseases. Identifiers: MedGen C0950123, MeSH D030342.

Allele frequency attached by ClinVar (database versions not stated): ESP Exome Variant Server 0.00019; ExAC 0.00050.

Submissions (3):

CeGaT Center for Human Genetics Tuebingen
Classification: Likely benign. Last evaluated: 2026-03-01. Review status: criteria provided, single submitter. Criteria: CeGaT Center For Human Genetics Tuebingen Variant Classification Criteria Version 2. Collection method: clinical testing. Allele origin: germline. Affected: yes. Observed: 1 variant allele.
Comment: SHANK3: BP4, BS1

Blueprint Genetics
Classification: Likely benign. Last evaluated: 2024-11-27. Review status: criteria provided, single submitter. Criteria: ACMG Guidelines, 2015. Collection method: clinical testing. Allele origin: germline.

Ambry Genetics
Classification: Uncertain significance for Inborn genetic diseases. Last evaluated: 2018-04-09. Review status: criteria provided, single submitter. Criteria: Ambry Variant Classification Scheme 2023. Collection method: clinical testing. Allele origin: germline.
Comment: The p.P1235Q variant (also known as c.3704C>A), located in coding exon 21 of the SHANK3 gene, results from a C to A substitution at nucleotide position 3704. The proline at codon 1235 is replaced by glutamine, an amino acid with similar properties. This variant was detected in one of 2147 patients with autism spectrum disorder, but absent in 1031 controls (Leblond CS et al. PLoS Genet., 2014 Sep;10:e1004580). This amino acid position is well conserved in available vertebrate species. Since supporting evidence is limited at this time, the clinical significance of this alteration remains unclear.

Literature cited by the submitters: PubMed 25188300 (cited by Ambry Genetics).

NM_001372044.2(SHANK3):c.3929C>A (p.Pro1310Gln)

Gene: SHANK3 (SH3 and multiple ankyrin repeat domains 3; plus strand). Cytogenetic location: 22q13.33.
Variant type: single nucleotide variant.
Coding change: c.3929C>A on transcript NM_001372044.2 (MANE Select); coding-DNA position 3929, C replaced by A.
Protein change: p.Pro1310Gln; replaces proline 1310 with glutamine.
Molecular consequence: missense variant.
Genome position (GRCh38, 1-based): chr22:50,721,537, C>A. VCF-style: chr22-50721537-C-A. GRCh37 (hg19) VCF-style: chr22-51159965-C-A.
Other names: c.3704C>A, p.Pro1235Gln (NM_033517.1); short protein forms P1310Q, P1235Q.
Identifiers: ClinVar variation 1734128 (VCV001734128.7), dbSNP rs375304507, ClinGen allele CA10326114.
Genomic context (GRCh38, chr22:50,721,537, plus strand): 5'-CCAGCAACGGGCAGGAGCCCAGCAGGCTGGGGGGGGCCGAAGAGGAGCGCCCGGGCACCC[C>A]GGAGTTGGCCCCGGCCCCCATGCAGTCAGCGGCTGTGGCAGAGCCCCTGCCCAGCCCCCG-3'
Protein context (NP_001358973.1, residues 1300-1320): GGAEEERPGT[Pro1310Gln]ELAPAPMQSA